The following is an entry in ClinVar:

ClinVar aggregate classification (germline): Uncertain significance (1 of 4 stars; one submission).

Conditions:
Cornelia de Lange syndrome 1 (CDLS1). Also called: TYPUS DEGENERATIVUS AMSTELODAMENSIS; Brachmann de Lange syndrome; NIPBL-Related Cornelia de Lange Syndrome. Identifiers: Orphanet 199, MedGen C4551851, MONDO:0007387, OMIM 122470.

Submission:

Juno Genomics, Hangzhou Juno Genomics, Inc
Classification: Uncertain significance for Cornelia de Lange syndrome 1. Review status: criteria provided, single submitter. Criteria: ACMG Guidelines, 2015. Collection method: clinical testing. Allele origin: germline.
Comment: Absent from controls (or at extremely low frequency if recessive) in Genome Aggregation Database.;Missense variant in a gene that has a low rate of benign missense variation.;Multiple lines of computational evidence support a deleterious effect on the gene or gene product.

NM_133433.4(NIPBL):c.4369T>A (p.Phe1457Ile)

Gene: NIPBL (NIPBL cohesin loading factor; plus strand). Cytogenetic location: 5p13.2.
Variant type: single nucleotide variant.
Coding change: c.4369T>A on transcript NM_133433.4 (MANE Select); coding-DNA position 4369, T replaced by A.
Protein change: p.Phe1457Ile; replaces phenylalanine 1457 with isoleucine.
Molecular consequence: missense variant.
Genome position (GRCh38, 1-based): chr5:37,008,671, T>A. VCF-style: chr5-37008671-T-A. GRCh37 (hg19) VCF-style: chr5-37008773-T-A.
Other names: c.4369T>A, p.Phe1457Ile (NM_001438586.1, NM_015384.5); short protein forms F1457I.
Identifiers: ClinVar variation 5006892 (VCV005006892.2).
Genomic context (GRCh38, chr5:37,008,671, plus strand): 5'-ATTACTAAACAGGTATTCTCAAGATATGAAAAACATAGGCAGTTAATTTTGGAAGAAATT[T>A]TTACTTCACTTGCAAGATTACCAACCAGCAAGAGGAGTTTAAGGAACTTCAGGTAATTAA-3'
Protein context (NP_597677.2, residues 1447-1467): KHRQLILEEI[Phe1457Ile]TSLARLPTSK